The following is an entry in ClinVar:

Conditions:
Breast-ovarian cancer, familial, susceptibility to, 1 (BROVCA1). Also called: BRCA1 Hereditary Breast and Ovarian Cancer; OVARIAN CANCER, SUSCEPTIBILITY TO. Identifiers: Orphanet 145, MedGen C2676676, MONDO:0011450, OMIM 604370. Disease mechanism: loss of function.

Submission:

Brotman Baty Institute, University of Washington
No classification provided (evidence only). Condition: Breast-ovarian cancer, familial 1. Review status: no classification provided. Collection method: in vitro. Allele origin: not applicable. Functional consequence: functionally_normal.
ClinVar note: "not provided" was previously submitted as the classification for the variant. However, the classification appeared to be based only on an observation of functional data so it was converted to no classification on 2025-07-30.

NM_007294.4(BRCA1):c.5550G>T (p.Leu1850=)

Gene: BRCA1 (BRCA1 DNA repair associated; minus strand). Cytogenetic location: 17q21.31.
Variant type: single nucleotide variant.
Coding change: c.5550G>T on transcript NM_007294.4 (MANE Select); coding-DNA position 5550, G replaced by T.
Protein change: p.Leu1850=; no amino-acid change (leucine 1850 retained).
Molecular consequence: synonymous variant. On other transcripts: 3 prime UTR variant (17).
Genome position (GRCh38, 1-based): chr17:43,045,720, C>A on the plus strand (G>T on the coding strand, the complement: BRCA1 is on the minus strand). VCF-style: chr17-43045720-C-A. GRCh37 (hg19) VCF-style: chr17-41197737-C-A.
Other names: c.5421G>T, p.Leu1807= (NM_001407685.1, NM_001407686.1, NM_001407687.1 and 6 more transcripts); c.5418G>T, p.Leu1806= (NM_001407690.1, NM_001407691.1); c.5409G>T, p.Leu1803= (NM_001407692.1, NM_001407694.1, NM_001407695.1 and 12 more transcripts); c.5406G>T, p.Leu1802= (NM_001407732.1, NM_001407733.1, NM_001407734.1 and 18 more transcripts); c.5403G>T, p.Leu1801= (NM_001407838.1, NM_001407839.1, NM_001407841.1 and 12 more transcripts); c.*64G>T (NM_001407854.1, NM_001407858.1, NM_001407859.1 and 14 more transcripts); c.5349G>T, p.Leu1783= (NM_001407862.1); c.5346G>T, p.Leu1782= (NM_001407863.1); and 74 more.
Identifiers: ClinVar variation 867655 (VCV000867655.3), dbSNP rs786201502, ClinGen allele CA500142886.
Genomic context (GRCh38, chr17:43,045,720, plus strand): 5'-ACCTGTGGCTGGCTGCAGTCAGTAGTGGCTGTGGGGGATCTGGGGTATCAGGTAGGTGTC[C>A]AGCTCCTGGCACTGGTAGAGTGCTACACTGTCCAACACCCACTCTCGGGTCACCACAGGT-3'
Protein context (NP_009225.1, residues 1840-1860): DSVALYQCQE[Leu1850=]DTYLIPQIPH